The following is an entry in ClinVar:

ClinVar aggregate classification (germline): Uncertain significance (1 of 4 stars; one submission).

Submission:

GeneDx
Classification: Uncertain significance. Last evaluated: 2026-02-19. Review status: criteria provided, single submitter. Criteria: GeneDx Variant Classification Process June 2021. Collection method: clinical testing. Allele origin: germline.
Comment: Not observed at significant frequency in large population cohorts (gnomAD); In silico analysis suggests that this missense variant does not alter protein structure/function; Has not been previously published as pathogenic or benign to our knowledge

NM_001376.5(DYNC1H1):c.80T>A (p.Val27Glu)

Gene: DYNC1H1 (dynein cytoplasmic 1 heavy chain 1; plus strand). Cytogenetic location: 14q32.31.
Variant type: single nucleotide variant.
Coding change: c.80T>A on transcript NM_001376.5 (MANE Select); coding-DNA position 80, T replaced by A.
Protein change: p.Val27Glu; replaces valine 27 with glutamic acid.
Molecular consequence: missense variant.
Genome position (GRCh38, 1-based): chr14:101,964,771, T>A. VCF-style: chr14-101964771-T-A. GRCh37 (hg19) VCF-style: chr14-102431108-T-A.
Other names: short protein forms V27E.
Identifiers: ClinVar variation 5009766 (VCV005009766.1).